The following is an entry in ClinVar:

ClinVar aggregate classification (germline): Uncertain significance. Review status: criteria provided, multiple submitters, no conflicts (2 of 4 stars). 3 submissions from 3 submitters: Uncertain significance (3). Last evaluated 2024-11-15.

Conditions:
Hyper-IgE recurrent infection syndrome 3, autosomal recessive. Also called: Autosomal recessive hyper-IgE syndrome due to ZNF341 deficiency; HYPER-IgE SYNDROME 3, AUTOSOMAL RECESSIVE, WITH RECURRENT INFECTIONS. Identifiers: Orphanet 641368, MedGen C4748969, MONDO:0032654, OMIM 618282.

Allele frequency attached by ClinVar (database versions not stated): ExAC 0.00032; TOPMed 0.00038; gnomAD exomes 0.00041 and 0.00078; gnomAD 0.00042 and 0.00044; ESP Exome Variant Server 0.00085.
gnomAD v4.1: 1,171 of 1,553,932 alleles (0.075%); highest among the groups gnomAD compares: Non-Finnish European, 0.094%; 1 homozygote.

Submissions (3):

Blueprint Genetics
Classification: Uncertain significance. Last evaluated: 2024-11-15. Review status: criteria provided, single submitter. Criteria: ACMG Guidelines, 2015. Collection method: clinical testing. Allele origin: germline.

Labcorp Genetics (formerly Invitae), Labcorp
Classification: Uncertain significance. Last evaluated: 2023-12-07. Review status: criteria provided, single submitter. Criteria: Invitae Variant Classification Sherloc (09022015). Collection method: clinical testing. Allele origin: germline.
Comment: This sequence change replaces glutamic acid, which is acidic and polar, with lysine, which is basic and polar, at codon 847 of the ZNF341 protein (p.Glu847Lys). This variant is present in population databases (rs145996048, gnomAD 0.08%). This variant has not been reported in the literature in individuals affected with ZNF341-related conditions. ClinVar contains an entry for this variant (Variation ID: 1017649). An algorithm developed to predict the effect of missense changes on protein structure and function (PolyPhen-2) suggests that this variant¬†is likely to be tolerated. In summary, the available evidence is currently insufficient to determine the role of this variant in disease. Therefore, it has been classified as a Variant of Uncertain Significance.

Fulgent Genetics
Classification: Uncertain significance for Hyper-IgE recurrent infection syndrome 3, autosomal recessive. Last evaluated: 2021-11-11. Review status: criteria provided, single submitter. Criteria: ACMG Guidelines, 2015. Collection method: clinical testing. Allele origin: unknown.

NM_001282933.2(ZNF341):c.2560G>A (p.Glu854Lys)

Genes: ZNF341 (zinc finger protein 341; plus strand), ZNF341-AS1 (ZNF341 antisense RNA 1; minus strand). Cytogenetic location: 20q11.22.
Variant type: single nucleotide variant.
Coding change: c.2560G>A on transcript NM_001282933.2 (MANE Select); coding-DNA position 2560, G replaced by A.
Protein change: p.Glu854Lys; replaces glutamic acid 854 with lysine.
Molecular consequence: missense variant. On other transcripts: non-coding transcript variant (1).
Genome position (GRCh38, 1-based): chr20:33,791,512, G>A. VCF-style: chr20-33791512-G-A. GRCh37 (hg19) VCF-style: chr20-32379318-G-A.
Other names: c.2290G>A, p.Glu764Lys (NM_001282935.2); c.2539G>A, p.Glu847Lys (NM_032819.5); short protein forms E764K, E847K, E854K.
Identifiers: ClinVar variation 1017649 (VCV001017649.7), dbSNP rs145996048, ClinGen allele CA9819839.